The following is an entry in ClinVar:

ClinVar aggregate classification (germline): Benign. Review status: criteria provided, multiple submitters, no conflicts (2 of 4 stars). 3 submissions from 3 submitters: Benign (3). Last evaluated 2026-02-03.

Conditions:
Congenital disorder of glycosylation (CDG). Also called: Carbohydrate-deficient glycoprotein syndrome; Congenital disorders of glycosylation. Identifiers: Orphanet 137, MedGen C0282577, MONDO:0015286.

Allele frequency attached by ClinVar (database versions not stated): 1000 Genomes Project 30x 0.69316; 1000 Genomes Project 0.69369; gnomAD exomes 0.74031 and 0.78623; ExAC 0.74497; gnomAD 0.77220 and 0.77701; TOPMed 0.77894; ESP Exome Variant Server 0.80317.
gnomAD v4.1: 1,266,636 of 1,613,738 alleles (78%); highest among the groups gnomAD compares: Middle Eastern, 86%; 500,576 homozygotes.

Submissions (3):

Labcorp Genetics (formerly Invitae), Labcorp
Classification: Benign for Congenital disorder of glycosylation. Last evaluated: 2026-02-03. Review status: criteria provided, single submitter. Criteria: Invitae Variant Classification Sherloc (09022015). Collection method: clinical testing. Allele origin: germline.

GeneDx
Classification: Benign. Last evaluated: 2018-06-14. Review status: criteria provided, single submitter. Criteria: GeneDx Variant Classification (06012015). Collection method: clinical testing. Allele origin: germline. Affected: yes.
Comment: This variant is considered likely benign or benign based on one or more of the following criteria: it is a conservative change, it occurs at a poorly conserved position in the protein, it is predicted to be benign by multiple in silico algorithms, and/or has population frequency not consistent with disease.

Breakthrough Genomics
Classification: Benign. Review status: criteria provided, single submitter. Criteria: ACMG Guidelines, 2015. Collection method: not provided. Allele origin: germline. Inheritance: Unknown mechanism. Affected: yes.

NM_002951.5(RPN2):c.1825C>T (p.Leu609=)

Gene: RPN2 (ribophorin II; plus strand). Cytogenetic location: 20q11.23.
Variant type: single nucleotide variant.
Coding change: c.1825C>T on transcript NM_002951.5 (MANE Select); coding-DNA position 1825, C replaced by T.
Protein change: p.Leu609=; no amino-acid change (leucine 609 retained).
Molecular consequence: synonymous variant.
Genome position (GRCh38, 1-based): chr20:37,236,651, C>T. VCF-style: chr20-37236651-C-T. GRCh37 (hg19) VCF-style: chr20-35865054-C-T.
Other names: c.1729C>T, p.Leu577= (NM_001135771.3, NM_001324299.2, NM_001324302.2); c.1873C>T, p.Leu625= (NM_001324301.2, NM_001324305.2); c.1825C>T, p.Leu609= (NM_001324303.2, NM_001324304.2); c.1354C>T, p.Leu452= (NM_001324306.2).
Identifiers: ClinVar variation 683687 (VCV000683687.11), dbSNP rs4608, ClinGen allele CA9847318.